The following is an entry in ClinVar:

ClinVar aggregate classification (germline): Pathogenic. Review status: criteria provided, multiple submitters, no conflicts (2 of 4 stars). 14 submissions from 14 submitters: Pathogenic (13). 1 of the submissions does not count toward it. Last evaluated 2026-09-25.

Conditions:
IQCB1-related disorder. Also called: IQCB1-related condition.
Retinal dystrophy. Also called: Inherited retinal dystrophy. Identifiers: Orphanet 71862, MedGen C0854723, MeSH D058499, MONDO:0019118, HP:0000556.
Nephronophthisis. Also called: Juvenile Nephronophthisis. Identifiers: Orphanet 655, MedGen C0687120, MONDO:0019005, HP:0000090.
Leber congenital amaurosis (LCA). Also called: Leber's amaurosis. Identifiers: Orphanet 65, MedGen C0339527, MeSH D057130, MONDO:0018998.
Senior-Loken syndrome 5 (SLSN5). Identifiers: Orphanet 3156, MedGen C1836517, MONDO:0012225, OMIM 609254.

Allele frequency attached by ClinVar (database versions not stated): gnomAD 0.00001; TOPMed 0.00003; ESP Exome Variant Server 0.00008.
gnomAD v4.1: 72 of 1,614,054 alleles (0.0045%); highest among the groups gnomAD compares: South Asian, 0.0055%; no homozygotes.

Submissions (14):

PreventionGenetics, part of Exact Sciences
Classification: Pathogenic for IQCB1-related condition. Last evaluated: 2026-09-25. Review status: criteria provided, single submitter. Criteria: ACMG Guidelines, 2015. Collection method: clinical testing. Allele origin: germline.
Comment: The IQCB1 c.1465C>T variant is predicted to result in premature protein termination (p.Arg489*). This variant has been reported in the homozygous state or with a second IQCB1 variant in individuals with IQCB1-related disorders (see, for example: Otto et al. 2008. PubMed ID: 18076122; Stone et al. 2011. PubMed ID: 21220633; Halbritter et al. 2013. PubMed ID: 23559409). This variant is reported in 0.0062% of alleles in individuals of African descent in gnomAD. Nonsense variants in IQCB1 are expected to be pathogenic. This variant is interpreted as pathogenic.

Research Institute for Ophthalmology and Vision Science, Shahid Beheshti University of Medical Sciences
Classification: Pathogenic for Leber congenital amaurosis. Last evaluated: 2025-12-09. Review status: criteria provided, single submitter. Criteria: ACMG Guidelines, 2015. Collection method: research. Allele origin: inherited. Inheritance: Autosomal recessive inheritance. Affected: yes.
Comment: The variant is a null variant and has been identified in multiple affected family members. It is also very rare in the gnomAD population database.

Labcorp Genetics (formerly Invitae), Labcorp
Classification: Pathogenic for Nephronophthisis. Last evaluated: 2025-12-03. Review status: criteria provided, single submitter. Criteria: Invitae Variant Classification Sherloc (09022015). Collection method: clinical testing. Allele origin: germline.
Comment: This sequence change creates a premature translational stop signal (p.Arg489*) in the IQCB1 gene. It is expected to result in an absent or disrupted protein product. Loss-of-function variants in IQCB1 are known to be pathogenic (PMID: 15723066, 21901789, 23559409, 28041643). This variant is present in population databases (rs373909351, gnomAD 0.007%). This premature translational stop signal has been observed in individual(s) with autosomal recessive Leber congenital amaurosis and early onset retinitis pigmentosa (PMID: 18076122, 20881296, 21220633, 23847139, 24066033, 29053603). This variant is also known as c.1381C>T, Arg461*. ClinVar contains an entry for this variant (Variation ID: 30778). For these reasons, this variant has been classified as Pathogenic.

3billion
Classification: Pathogenic for Senior-Loken syndrome 5. Last evaluated: 2025-08-27. Review status: criteria provided, single submitter. Criteria: ACMG Guidelines, 2015. Collection method: clinical testing. Allele origin: germline. Affected: yes.
Comment: The variant is observed at an extremely low frequency in the gnomAD v4.1.0 dataset (total allele frequency: 0.004%). Predicted Consequence/Location: Stop-gained (nonsense): predicted to result in a loss or disruption of normal protein function through nonsense-mediated decay (NMD) or protein truncation. Multiple pathogenic variants are reported downstream of the variant. The variant has been reported at least twice as pathogenic with clinical assertions and evidence for the classification (ClinVar ID: VCV000030778 /PMID: 18076122). Therefore, this variant is classified as Pathogenic according to the recommendation of ACMG/AMP guideline.

GeneDx
Classification: Pathogenic. Last evaluated: 2025-03-23. Review status: criteria provided, single submitter. Criteria: GeneDx Variant Classification Process June 2021. Collection method: clinical testing. Allele origin: germline. Affected: yes.
Comment: Not observed at significant frequency in large population cohorts (gnomAD); Nonsense variant predicted to result in protein truncation or nonsense mediated decay in a gene for which loss of function is a known mechanism of disease; This variant is associated with the following publications: (PMID: 25525159, 18076122, 24066033, 20881296, 23847139, 21866095, 29053603, 32865313, 31589614, 36964972, 31964843, 36460718, 37217489, 37230223)

Fulgent Genetics
Classification: Pathogenic for Senior-Loken syndrome 5. Last evaluated: 2024-03-04. Review status: criteria provided, single submitter. Criteria: ACMG Guidelines, 2015. Collection method: clinical testing. Allele origin: germline.

Daryl Scott Lab, Baylor College of Medicine
Classification: Pathogenic for Senior-Loken syndrome 5. Last evaluated: 2024-01-01. Review status: criteria provided, single submitter. Criteria: ACMG Guidelines, 2015. Collection method: clinical testing. Allele origin: unknown. Affected: yes. Observed: 1 heterozygote.
Comment: PVS1, PS4, PM3

Blueprint Genetics
Classification: Pathogenic for IQCB1-related disorders. Last evaluated: 2022-09-21. Review status: criteria provided, single submitter. Criteria: ACMG Guidelines, 2015. Collection method: clinical testing. Allele origin: germline. Affected: yes. Observed: 5 variant alleles.

Department of Pathology and Laboratory Medicine, Sinai Health System
Classification: Pathogenic for Senior-Loken syndrome 5. Last evaluated: 2022-03-15. Review status: criteria provided, single submitter. Criteria: ACMG Guidelines, 2015. Collection method: research. Allele origin: germline.

Mendelics
Classification: Pathogenic for Senior-Loken syndrome 5. Last evaluated: 2019-05-28. Review status: criteria provided, single submitter. Criteria: Mendelics Assertion Criteria 2017. Collection method: clinical testing. Allele origin: unknown.

Undiagnosed Diseases Network, NIH
Classification: Pathogenic for Senior-Loken syndrome 5. Last evaluated: 2017-05-23. Review status: criteria provided, single submitter. Criteria: ACMG Guidelines, 2015. Collection method: clinical testing. Allele origin: maternal. Inheritance: Autosomal recessive inheritance. Affected: yes. Observed: 2 variant alleles, 2 compound heterozygotes. Clinical features observed: Stage 5 chronic kidney disease (HP:0003774), Large central visual field defect (HP:0001129), Hyperpigmented nevi (HP:0007481), Abnormal retinal morphology (HP:0000479). Study: Undiagnosed Diseases Network (NIH), UDN.

Institute of Human Genetics, Univ. Regensburg, Univ. Regensburg
Classification: Pathogenic for Retinal dystrophy. Last evaluated: 2017-01-01. Review status: criteria provided, single submitter. Criteria: ACMG Guidelines, 2015. Collection method: clinical testing. Allele origin: germline. Affected: yes.

Kasturba Medical College, Manipal, Kasturba Medical College, Manipal, Manipal Academy of Higher Education, Manipal, India
Classification: Pathogenic for Senior-Loken syndrome 5. Review status: criteria provided, single submitter. Criteria: ACMG Guidelines, 2015. Collection method: research. Allele origin: biparental. Inheritance: Autosomal recessive inheritance. Affected: yes. Observed: 1 homozygote.
Comment: The variant is present in 72 individuals in a heterozygous state and absent in a homozygous state in gnomAD (v4.1.0). The variant is absent in homozygous and/or heterozygous state our in-house database of 3274 exomes. This variant is predicted to introduce a premature termination codon which will either cause the transcript to undergo nonsense-mediated mRNA decay or lead to formation of a truncated protein product.

OMIM
Classification: Pathogenic for SENIOR-LOKEN SYNDROME 5. Last evaluated: 2011-01-01. Review status: no assertion criteria provided. Collection method: literature only. Allele origin: germline. Not counted in ClinVar's aggregate classification.

Literature cited by the submitters: PubMed 18076122 (cited by 4 submitters); PubMed 15723066 (cited by Labcorp Genetics (formerly Invitae), Labcorp); PubMed 21901789 (cited by Labcorp Genetics (formerly Invitae), Labcorp); PubMed 23559409 (cited by Labcorp Genetics (formerly Invitae), Labcorp and Kasturba Medical College, Manipal, Kasturba Medical College, Manipal, Manipal Academy of Higher Education, Manipal, India); PubMed 28041643 (cited by Labcorp Genetics (formerly Invitae), Labcorp); PubMed 20881296 (cited by Labcorp Genetics (formerly Invitae), Labcorp and Institute of Human Genetics, Univ. Regensburg, Univ. Regensburg); PubMed 21220633 (cited by Labcorp Genetics (formerly Invitae), Labcorp and OMIM); PubMed 23847139 (cited by Labcorp Genetics (formerly Invitae), Labcorp and Institute of Human Genetics, Univ. Regensburg, Univ. Regensburg); PubMed 24066033 (cited by Labcorp Genetics (formerly Invitae), Labcorp); PubMed 29053603 (cited by Labcorp Genetics (formerly Invitae), Labcorp and Institute of Human Genetics, Univ. Regensburg, Univ. Regensburg); PubMed 21866095 (cited by Institute of Human Genetics, Univ. Regensburg, Univ. Regensburg); PubMed 25525159 (cited by Institute of Human Genetics, Univ. Regensburg, Univ. Regensburg); PubMed 31589614 (cited by Institute of Human Genetics, Univ. Regensburg, Univ. Regensburg); PubMed 31964843 (cited by Institute of Human Genetics, Univ. Regensburg, Univ. Regensburg); PubMed 32865313 (cited by Institute of Human Genetics, Univ. Regensburg, Univ. Regensburg); PubMed 36460718 (cited by Institute of Human Genetics, Univ. Regensburg, Univ. Regensburg).

NM_001023570.4(IQCB1):c.1465C>T (p.Arg489Ter)

Gene: IQCB1 (IQ motif containing B1; minus strand). Cytogenetic location: 3q13.33.
Variant type: single nucleotide variant.
Coding change: c.1465C>T on transcript NM_001023570.4 (MANE Select); coding-DNA position 1465, C replaced by T.
Protein change: p.Arg489Ter; replaces arginine 489 with a stop codon.
Molecular consequence: nonsense. On other transcripts: non-coding transcript variant (1).
Genome position (GRCh38, 1-based): chr3:121,772,659, G>A on the plus strand (C>T on the coding strand, the complement: IQCB1 is on the minus strand). VCF-style: chr3-121772659-G-A. GRCh37 (hg19) VCF-style: chr3-121491506-G-A.
Other names: c.1066C>T, p.Arg356Ter (NM_001023571.4); c.1465C>T, p.Arg489Ter (NM_001319107.2); short protein forms R489*, R356*.
Identifiers: ClinVar variation 30778 (VCV000030778.28), dbSNP rs373909351, ClinGen allele CA129459.